The following is an entry in ClinVar:

NM_005188.4(CBL):c.2519G>A (p.Cys840Tyr)

Gene: CBL (Cbl proto-oncogene; plus strand). Cytogenetic location: 11q23.3.
Variant type: single nucleotide variant.
Coding change: c.2519G>A on transcript NM_005188.4 (MANE Select); coding-DNA position 2519, G replaced by A.
Protein change: p.Cys840Tyr; replaces cysteine 840 with tyrosine.
Molecular consequence: missense variant.
Genome position (GRCh38, 1-based): chr11:119,299,579, G>A. VCF-style: chr11-119299579-G-A. GRCh37 (hg19) VCF-style: chr11-119170289-G-A.
Other names: c.2519G>A (NM_005188.2); short protein forms C840Y.
Identifiers: ClinVar variation 940069 (VCV000940069.11), dbSNP rs376536789, ClinGen allele CA6318803.

ClinVar aggregate classification (germline): Uncertain significance. Review status: criteria provided, multiple submitters, no conflicts (2 of 4 stars). 3 submissions from 3 submitters: Uncertain significance (3). Last evaluated 2025-05-26.

Conditions:
CBL-related disorder. Also called: CBL MUTATION-ASSOCIATED SYNDROME; CBL SYNDROME; NOONAN SYNDROME-LIKE DISORDER WITHOUT JUVENILE MYELOMONOCYTIC LEUKEMIA. Identifiers: Orphanet 363972, MedGen C3150803, MONDO:0013308, OMIM 613563.
Juvenile myelomonocytic leukemia (JMML). Also called: LEUKEMIA, JUVENILE MYELOMONOCYTIC, SOMATIC. Identifiers: Orphanet 86834, MedGen C0349639, MONDO:0011908, OMIM 607785, HP:0012209.
RASopathy. Also called: rasopathies; Noonan spectrum disorder. Identifiers: Orphanet 536391, MedGen C5555857, MONDO:0021060.
Cardiovascular phenotype. Identifiers: MedGen CN230736.

Allele frequency attached by ClinVar (database versions not stated): ExAC 0.00001; ESP Exome Variant Server 0.00008.

Submissions (3):

Labcorp Genetics (formerly Invitae), Labcorp
Classification: Uncertain significance for RASopathy. Last evaluated: 2025-05-26. Review status: criteria provided, single submitter. Criteria: Invitae Variant Classification Sherloc (09022015). Collection method: clinical testing. Allele origin: germline.
Comment: This sequence change replaces cysteine, which is neutral and slightly polar, with tyrosine, which is neutral and polar, at codon 840 of the CBL protein (p.Cys840Tyr). This variant is present in population databases (rs376536789, gnomAD 0.007%). This variant has not been reported in the literature in individuals affected with CBL-related conditions. ClinVar contains an entry for this variant (Variation ID: 940069). Invitae Evidence Modeling of protein sequence and biophysical properties (such as structural, functional, and spatial information, amino acid conservation, physicochemical variation, residue mobility, and thermodynamic stability) indicates that this missense variant is not expected to disrupt CBL protein function with a negative predictive value of 95%. In summary, the available evidence is currently insufficient to determine the role of this variant in disease. Therefore, it has been classified as a Variant of Uncertain Significance.

Ambry Genetics
Classification: Uncertain significance for Cardiovascular phenotype. Last evaluated: 2024-03-30. Review status: criteria provided, single submitter. Criteria: Ambry Variant Classification Scheme 2023. Collection method: clinical testing. Allele origin: germline.
Comment: The p.C840Y variant (also known as c.2519G>A), located in coding exon 16 of the CBL gene, results from a G to A substitution at nucleotide position 2519. The cysteine at codon 840 is replaced by tyrosine, an amino acid with highly dissimilar properties. This amino acid position is conserved. In addition, this alteration is predicted to be tolerated by in silico analysis. Based on the available evidence, the clinical significance of this alteration remains unclear.

Fulgent Genetics
Classification: Uncertain significance for Juvenile myelomonocytic leukemia; CBL-related disorder. Last evaluated: 2021-11-10. Review status: criteria provided, single submitter. Criteria: ACMG Guidelines, 2015. Collection method: clinical testing. Allele origin: unknown.